The following is an entry in ClinVar:

ClinVar aggregate classification (germline): Uncertain significance (1 of 4 stars; one submission).

Submission:

Ambry Genetics
Classification: Uncertain significance. Last evaluated: 2024-08-15. Review status: criteria provided, single submitter. Criteria: Ambry Variant Classification Scheme 2023. Collection method: clinical testing. Allele origin: germline.
Comment: The p.I996K variant (also known as c.2987T>A), located in coding exon 16 of the POLQ gene, results from a T to A substitution at nucleotide position 2987. The isoleucine at codon 996 is replaced by lysine, an amino acid with dissimilar properties. This amino acid position is conserved. In addition, this alteration is predicted to be tolerated by in silico analysis. Based on the available evidence, the clinical significance of this variant remains unclear.

NM_199420.4(POLQ):c.2987T>A (p.Ile996Lys)

Gene: POLQ (DNA polymerase theta; minus strand). Cytogenetic location: 3q13.33.
Variant type: single nucleotide variant.
Coding change: c.2987T>A on transcript NM_199420.4 (MANE Select); coding-DNA position 2987, T replaced by A.
Protein change: p.Ile996Lys; replaces isoleucine 996 with lysine.
Molecular consequence: missense variant.
Genome position (GRCh38, 1-based): chr3:121,489,944, A>T on the plus strand (T>A on the coding strand, the complement: POLQ is on the minus strand). VCF-style: chr3-121489944-A-T. GRCh37 (hg19) VCF-style: chr3-121208791-A-T.
Other names: short protein forms I996K.
Identifiers: ClinVar variation 3422496 (VCV003422496.1).